The following is an entry in ClinVar:

ClinVar aggregate classification (germline): Benign/Likely benign. Review status: criteria provided, multiple submitters, no conflicts (2 of 4 stars). 5 submissions from 5 submitters: Benign (2); Likely benign (3). Last evaluated 2026-09-01.

Allele frequency attached by ClinVar (database versions not stated): 1000 Genomes Project 0.00060; 1000 Genomes Project 30x 0.00062; ExAC 0.00075; TOPMed 0.00203.

Submissions (5):

CeGaT Center for Human Genetics Tuebingen
Classification: Likely benign. Last evaluated: 2026-09-01. Review status: criteria provided, single submitter. Criteria: CeGaT Center For Human Genetics Tuebingen Variant Classification Criteria Version 2. Collection method: clinical testing. Allele origin: germline. Affected: yes. Observed: 24 variant alleles.
Comment: CACNA1G-AS1: BS2

Labcorp Genetics (formerly Invitae), Labcorp
Classification: Benign. Last evaluated: 2026-01-13. Review status: criteria provided, single submitter. Criteria: Invitae Variant Classification Sherloc (09022015). Collection method: clinical testing. Allele origin: germline.

Blueprint Genetics
Classification: Likely benign. Last evaluated: 2024-11-26. Review status: criteria provided, single submitter. Criteria: ACMG Guidelines, 2015. Collection method: clinical testing. Allele origin: germline.

Mayo Clinic Laboratories, Mayo Clinic
Classification: Benign. Last evaluated: 2024-05-28. Review status: criteria provided, single submitter. Criteria: ACMG Guidelines, 2015. Collection method: clinical testing. Allele origin: germline. Observed: 2 variant alleles.
Comment: BS1, BS2, BP4, BP7

GeneDx
Classification: Likely benign. Last evaluated: 2021-04-29. Review status: criteria provided, single submitter. Criteria: GeneDx Variant Classification Process June 2021. Collection method: clinical testing. Allele origin: germline. Affected: yes.

NM_018896.5(CACNA1G):c.78G>A (p.Ser26=)

Genes: CACNA1G (calcium voltage-gated channel subunit alpha1 G; plus strand), CACNA1G-AS1 (CACNA1G antisense RNA 1; minus strand). Cytogenetic location: 17q21.33.
Variant type: single nucleotide variant.
Coding change: c.78G>A on transcript NM_018896.5 (MANE Select); coding-DNA position 78, G replaced by A.
Protein change: p.Ser26=; no amino-acid change (serine 26 retained).
Molecular consequence: synonymous variant. On other transcripts: non-coding transcript variant (5).
Genome position (GRCh38, 1-based): chr17:50,561,537, G>A. VCF-style: chr17-50561537-G-A. GRCh37 (hg19) VCF-style: chr17-48638898-G-A.
Other names: p.Ser26=; c.78G>A, p.Ser26= (NM_001256324.2, NM_001256325.2, NM_001256326.2 and 24 more transcripts).
Identifiers: ClinVar variation 1302298 (VCV001302298.39), dbSNP rs577987926, ClinGen allele CA8651872.